The following is an entry in ClinVar:

NM_033026.6(PCLO):c.8602A>G (p.Ile2868Val)

Gene: PCLO (piccolo presynaptic cytomatrix protein; minus strand). Cytogenetic location: 7q21.11.
Variant type: single nucleotide variant.
Coding change: c.8602A>G on transcript NM_033026.6 (MANE Select); coding-DNA position 8602, A replaced by G.
Protein change: p.Ile2868Val; replaces isoleucine 2868 with valine.
Molecular consequence: missense variant.
Genome position (GRCh38, 1-based): chr7:82,952,351, T>C on the plus strand (A>G on the coding strand, the complement: PCLO is on the minus strand). VCF-style: chr7-82952351-T-C. GRCh37 (hg19) VCF-style: chr7-82581667-T-C.
Other names: c.8602A>G, p.Ile2868Val (NM_014510.3); short protein forms I2868V.
Identifiers: ClinVar variation 1384967 (VCV001384967.4), dbSNP rs371998195, ClinGen allele CA4320097.

ClinVar aggregate classification (germline): Uncertain significance (1 of 4 stars; one submission).

Allele frequency attached by ClinVar (database versions not stated): gnomAD 0.00001; TOPMed 0.00001; ExAC 0.00002; ESP Exome Variant Server 0.00016.
gnomAD v4.1: 4 of 1,613,836 alleles (0.00025%); highest among the groups gnomAD compares: African/African-American, 0.0027%; no homozygotes.

Submission:

Labcorp Genetics (formerly Invitae), Labcorp
Classification: Uncertain significance. Last evaluated: 2023-10-03. Review status: criteria provided, single submitter. Criteria: Invitae Variant Classification Sherloc (09022015). Collection method: clinical testing. Allele origin: germline.
Comment: This sequence change replaces isoleucine, which is neutral and non-polar, with valine, which is neutral and non-polar, at codon 2868 of the PCLO protein (p.Ile2868Val). This variant is present in population databases (rs371998195, gnomAD 0.01%). This variant has not been reported in the literature in individuals affected with PCLO-related conditions. ClinVar contains an entry for this variant (Variation ID: 1384967). Algorithms developed to predict the effect of missense changes on protein structure and function output the following: SIFT: "Not Available"; PolyPhen-2: "Not Available"; Align-GVGD: "Not Available". The valine amino acid residue is found in multiple mammalian species, which suggests that this missense change does not adversely affect protein function. In summary, the available evidence is currently insufficient to determine the role of this variant in disease. Therefore, it has been classified as a Variant of Uncertain Significance.